The following is an entry in ClinVar:

NM_019597.5(HNRNPH2):c.838G>A (p.Gly280Arg)

Genes: HNRNPH2 (heterogeneous nuclear ribonucleoprotein H2; plus strand), RPL36A-HNRNPH2 (RPL36A-HNRNPH2 readthrough; plus strand). Cytogenetic location: Xq22.1.
Variant type: single nucleotide variant.
Coding change: c.838G>A on transcript NM_019597.5 (MANE Select); coding-DNA position 838, G replaced by A.
Protein change: p.Gly280Arg; replaces glycine 280 with arginine.
Molecular consequence: missense variant. On other transcripts: 3 prime UTR variant (2).
Genome position (GRCh38, 1-based): chrX:101,412,826, G>A. VCF-style: chrX-101412826-G-A. GRCh37 (hg19) VCF-style: chrX-100667814-G-A.
Other names: c.*834G>A (NM_001199973.2, NM_001199974.2); c.838G>A, p.Gly280Arg (NM_001032393.3); short protein forms G280R.
Identifiers: ClinVar variation 4537004 (VCV004537004.1).
Genomic context (GRCh38, chrX:101,412,826, plus strand): 5'-TTTGGAAGAGACCTCAATTACTGTTTTTCAGGAATGTCTGATCATAGATACGGAGATGGT[G>A]GGTCCAGTTTCCAGAGCACCACAGGGCACTGTGTACACATGAGGGGGTTACCTTACAGAG-3'
Protein context (NP_062543.1, residues 270-290): GMSDHRYGDG[Gly280Arg]SSFQSTTGHC

ClinVar aggregate classification (germline): Uncertain significance (1 of 4 stars; one submission).

Submission:

Women's Health and Genetics/Laboratory Corporation of America, LabCorp
Classification: Uncertain significance. Last evaluated: 2025-11-06. Review status: criteria provided, single submitter. Criteria: LabCorp Variant Classification Summary - May 2015. Collection method: clinical testing. Allele origin: germline.
Comment: Variant summary: HNRNPH2 c.838G>A (p.Gly280Arg) results in a non-conservative amino acid change in the encoded protein sequence. Algorithms developed to predict the effect of missense changes on protein structure and function are either unavailable or do not agree on the potential impact of this missense change. The variant was absent in 183296 control chromosomes (gnomAD). The available data on variant occurrences in the general population are insufficient to allow any conclusion about variant significance. To our knowledge, no occurrence of c.838G>A in individuals affected with HNRNPH2-related conditions and no experimental evidence demonstrating its impact on protein function have been reported. No submitters have cited clinical-significance assessments for this variant to ClinVar. Based on the evidence outlined above, the variant was classified as uncertain significance.